The following is an entry in ClinVar:

NM_001211.6(BUB1B):c.499A>G (p.Asn167Asp)

Gene: BUB1B (BUB1 mitotic checkpoint serine/threonine kinase B; plus strand). Cytogenetic location: 15q15.1.
Variant type: single nucleotide variant.
Coding change: c.499A>G on transcript NM_001211.6 (MANE Select); coding-DNA position 499, A replaced by G.
Protein change: p.Asn167Asp; replaces asparagine 167 with aspartic acid.
Molecular consequence: missense variant.
Genome position (GRCh38, 1-based): chr15:40,176,591, A>G. VCF-style: chr15-40176591-A-G. GRCh37 (hg19) VCF-style: chr15-40468792-A-G.
Other names: short protein forms N167D.
Identifiers: ClinVar variation 4867994 (VCV004867994.1).

ClinVar aggregate classification (germline): Uncertain significance (1 of 4 stars; one submission).

Conditions:
Inborn genetic diseases. Identifiers: MedGen C0950123, MeSH D030342.

Submission:

Ambry Genetics
Classification: Uncertain significance for Inborn genetic diseases. Last evaluated: 2026-04-12. Review status: criteria provided, single submitter. Criteria: Ambry Variant Classification Scheme 2023. Collection method: clinical testing. Allele origin: germline.
Comment: The p.N167D variant (also known as c.499A>G), located in coding exon 5 of the BUB1B gene, results from an A to G substitution at nucleotide position 499. The asparagine at codon 167 is replaced by aspartic acid, an amino acid with highly similar properties. This amino acid position is conserved. In addition, this alteration is predicted to be tolerated by in silico analysis. Based on the available evidence, the clinical significance of this variant remains unclear.